The following is an entry in ClinVar:

NM_001159773.2(CANT1):c.1111G>C (p.Ala371Pro)

Gene: CANT1 (calcium activated nucleotidase 1; minus strand). Cytogenetic location: 17q25.3.
Variant type: single nucleotide variant.
Coding change: c.1111G>C on transcript NM_001159773.2 (MANE Select); coding-DNA position 1111, G replaced by C.
Protein change: p.Ala371Pro; replaces alanine 371 with proline.
Molecular consequence: missense variant.
Genome position (GRCh38, 1-based): chr17:78,993,645, C>G on the plus strand (G>C on the coding strand, the complement: CANT1 is on the minus strand). VCF-style: chr17-78993645-C-G. GRCh37 (hg19) VCF-style: chr17-76989727-C-G.
Other names: c.1111G>C, p.Ala371Pro (NM_001159772.2, NM_138793.4); short protein forms A371P.
Identifiers: ClinVar variation 4819343 (VCV004819343.1).

ClinVar aggregate classification (germline): Likely pathogenic (1 of 4 stars; one submission).

Conditions:
Epiphyseal dysplasia, multiple, 7. Identifiers: Orphanet 647676, MedGen C4540251, MONDO:0054680, OMIM 617719.

Submission:

Clinical Biomedical Laboratory, Shriners Hospital For Children - Canada
Classification: Likely pathogenic for Epiphyseal dysplasia, multiple, 7. Review status: criteria provided, single submitter. Criteria: ACMG Guidelines, 2015. Collection method: clinical testing. Allele origin: germline. Affected: yes.
Comment: This variant is predicted to substitute an alanine residue by a proline residue in CANT1. This variant is absent from the Genome Aggregation Database (gnomAD v2.1.1). Computational tools (REVEL: 0.79) suggest that the amino acid change is damaging to protein function. The gene is associated with multiple epiphyseal dysplasia 7 (OMIM 617719), which has overlap with the phenotype of the proband (PMID 28742282, 39618316). This variant is not listed in ClinVar and has not been published. Homozygosity for the variant co-segregates with the phenotype in the family. Based on the ACMG variant interpretation guidelines (criteria PM2, PM5, PP1, PP3), the available evidence supports classification of this variant as likely pathogenic.